The following is an entry in ClinVar:

ClinVar aggregate classification (germline): Pathogenic/Likely pathogenic. Review status: criteria provided, multiple submitters, no conflicts (2 of 4 stars). 3 submissions from 3 submitters: Pathogenic (2); Likely pathogenic (1). Last evaluated 2025-01-16.

Conditions:
FLG-related disorder. Also called: FLG-related condition; FLG-related disorders.

gnomAD v4.1: 3 of 1,613,508 alleles (0.00019%); highest among the groups gnomAD compares: Admixed American, 0.0017%; no homozygotes.

Submissions (3):

GeneDx
Classification: Pathogenic. Last evaluated: 2025-01-16. Review status: criteria provided, single submitter. Criteria: GeneDx Variant Classification Process June 2021. Collection method: clinical testing. Allele origin: germline. Affected: yes.
Comment: Nonsense variant in the C-terminus predicted to result in protein truncation, as the last 3253 amino acids are lost, and other loss-of-function variants have been reported downstream in the Human Gene Mutation Database (HGMD); Has not been previously published as pathogenic or benign to our knowledge; This variant is associated with the following publications: (PMID: 16444271)

PreventionGenetics, part of Exact Sciences
Classification: Likely pathogenic for FLG-related condition. Last evaluated: 2023-03-29. Review status: criteria provided, single submitter. Criteria: ACMG Guidelines, 2015. Collection method: clinical testing. Allele origin: germline.
Comment: The FLG c.2427G>A variant is predicted to result in premature protein termination (p.Trp809*). To our knowledge, this variant has not been reported in the literature or in a large population database, indicating this variant is rare. Nonsense variants in FLG are expected to be pathogenic. This variant is interpreted as likely pathogenic.

Rady Children's Institute for Genomic Medicine, Rady Children's Hospital San Diego
Classification: Pathogenic for FLG-related disorders. Review status: criteria provided, single submitter. Criteria: ACMG Guidelines, 2015. Collection method: clinical testing. Allele origin: germline. Affected: yes.
Comment: This variant has not been previously reported or functionally characterized in the literature to our knowledge. Loss-of-function variation in FLG is an established mechanism of disease (HGMD). Numerous other stop-gained variants downstream of this variant have been reported as damaging in the literature (HGMD). The c.2427G>A (p.Trp809Ter) variant is absent from the gnomAD population database and thus is presumed to be rare. Based on the available evidence, the c.2427G>A (p.Trp809Ter) variant is classified as Pathogenic.

NM_002016.2(FLG):c.2427G>A (p.Trp809Ter)

Genes: CCDST (cervical cancer associated DHX9 suppressive transcript; plus strand), FLG (filaggrin; minus strand). Cytogenetic location: 1q21.3.
Variant type: single nucleotide variant.
Coding change: c.2427G>A on transcript NM_002016.2 (MANE Select); coding-DNA position 2427, G replaced by A.
Protein change: p.Trp809Ter; replaces tryptophan 809 with a stop codon.
Molecular consequence: nonsense.
Genome position (GRCh38, 1-based): chr1:152,312,459, C>T on the plus strand (G>A on the coding strand, the complement: FLG is on the minus strand). VCF-style: chr1-152312459-C-T. GRCh37 (hg19) VCF-style: chr1-152284935-C-T.
Other names: short protein forms W809*.
Identifiers: ClinVar variation 280679 (VCV000280679.6), dbSNP rs745516434, ClinGen allele CA10602756.